The following is an entry in ClinVar:

ClinVar aggregate classification (germline): Conflicting classifications of pathogenicity. Review status: criteria provided, conflicting classifications (1 of 4 stars). 2 submissions from 2 submitters: Uncertain significance (1); Likely benign (1). Last evaluated 2025-08-21.

Conditions:
Inborn genetic diseases. Identifiers: MedGen C0950123, MeSH D030342.
Joubert syndrome 21 (JBTS21). Identifiers: MedGen C3810212, MONDO:0014288, OMIM 615636.

Allele frequency attached by ClinVar (database versions not stated): gnomAD 0.00002 and 0.00003; TOPMed 0.00002; ExAC 0.00008; 1000 Genomes Project 0.00040; 1000 Genomes Project 30x 0.00047.
gnomAD v4.1: 31 of 1,613,710 alleles (0.0019%); highest among the groups gnomAD compares: Admixed American, 0.033%; no homozygotes.

Submissions (2):

Ambry Genetics
Classification: Likely benign for Inborn genetic diseases. Last evaluated: 2025-08-21. Review status: criteria provided, single submitter. Criteria: Ambry Variant Classification Scheme 2023. Collection method: clinical testing. Allele origin: germline.

Labcorp Genetics (formerly Invitae), Labcorp
Classification: Uncertain significance for Joubert syndrome 21. Last evaluated: 2022-10-18. Review status: criteria provided, single submitter. Criteria: Invitae Variant Classification Sherloc (09022015). Collection method: clinical testing. Allele origin: germline.
Comment: This sequence change replaces arginine, which is basic and polar, with cysteine, which is neutral and slightly polar, at codon 276 of the CSPP1 protein (p.Arg276Cys). This variant is present in population databases (rs114953032, gnomAD 0.04%). This variant has not been reported in the literature in individuals affected with CSPP1-related conditions. ClinVar contains an entry for this variant (Variation ID: 933283). Algorithms developed to predict the effect of missense changes on protein structure and function output the following: SIFT: "Tolerated"; PolyPhen-2: "Benign"; Align-GVGD: "Class C0". The cysteine amino acid residue is found in multiple mammalian species, which suggests that this missense change does not adversely affect protein function. In summary, the available evidence is currently insufficient to determine the role of this variant in disease. Therefore, it has been classified as a Variant of Uncertain Significance.

NM_001382391.1(CSPP1):c.799C>T (p.Arg267Cys)

Gene: CSPP1 (centrosome and spindle pole associated protein 1; plus strand). Cytogenetic location: 8q13.1.
Variant type: single nucleotide variant.
Coding change: c.799C>T on transcript NM_001382391.1 (MANE Select); coding-DNA position 799, C replaced by T.
Protein change: p.Arg267Cys; replaces arginine 267 with cysteine.
Molecular consequence: missense variant. On other transcripts: 5 prime UTR variant (1).
Genome position (GRCh38, 1-based): chr8:67,095,608, C>T. VCF-style: chr8-67095608-C-T. GRCh37 (hg19) VCF-style: chr8-68007843-C-T.
Other names: c.-57C>T (NM_001291339.2); c.718C>T, p.Arg240Cys (NM_001363131.2, NM_001363133.2); c.799C>T, p.Arg267Cys (NM_001363132.2); c.907C>T, p.Arg303Cys (NM_001364869.1); c.826C>T, p.Arg276Cys (NM_001364870.1, NM_024790.7); short protein forms R240C, R267C, R276C, R303C.
Identifiers: ClinVar variation 933283 (VCV000933283.8), dbSNP rs114953032, ClinGen allele CA4770360.
Genomic context (GRCh38, chr8:67,095,608, plus strand): 5'-CAAAGGTTTGCAAGCAAGGCTGGCATTCCAGATAGAAGATTTCACAGATTTAATGAGGAT[C>T]GTGTTTTTGATAGACGGTATCATAGACCAGACCAAGATCCTGAAGTAAGTGAAGAAATGG-3'
Protein context (NP_001369320.1, residues 257-277): DRRFHRFNED[Arg267Cys]VFDRRYHRPD